The following is an entry in ClinVar:

NM_001145809.2(MYH14):c.3262C>G (p.Leu1088Val)

Gene: MYH14 (myosin heavy chain 14; plus strand). Cytogenetic location: 19q13.33.
Variant type: single nucleotide variant.
Coding change: c.3262C>G on transcript NM_001145809.2 (MANE Select); coding-DNA position 3262, C replaced by G.
Protein change: p.Leu1088Val; replaces leucine 1088 with valine.
Molecular consequence: missense variant.
Genome position (GRCh38, 1-based): chr19:50,271,939, C>G. VCF-style: chr19-50271939-C-G. GRCh37 (hg19) VCF-style: chr19-50775196-C-G.
Other names: c.3163C>G, p.Leu1055Val (NM_001077186.2); c.3139C>G, p.Leu1047Val (NM_024729.4); short protein forms L1047V, L1055V, L1088V.
Identifiers: ClinVar variation 1308693 (VCV001308693.2), dbSNP rs779951255, ClinGen allele CA9593163.

ClinVar aggregate classification (germline): Uncertain significance (1 of 4 stars; one submission).

Allele frequency attached by ClinVar (database versions not stated): gnomAD 0.00001; gnomAD exomes 0.00001 and 0.00002; ExAC 0.00002.
gnomAD v4.1: 8 of 1,611,394 alleles (0.0005%); highest among the groups gnomAD compares: Admixed American, 0.0084%; no homozygotes.

Submission:

GeneDx
Classification: Uncertain significance. Last evaluated: 2020-01-14. Review status: criteria provided, single submitter. Criteria: GeneDx Variant Classification Process June 2021. Collection method: clinical testing. Allele origin: germline. Affected: yes.
Comment: In silico analysis, which includes protein predictors and evolutionary conservation, supports that this variant does not alter protein structure/function; Has not been previously published as pathogenic or benign to our knowledge